The following is an entry in ClinVar:

NM_198428.3(BBS9):c.1648A>G (p.Ile550Val)

Gene: BBS9 (Bardet-Biedl syndrome 9; plus strand). Cytogenetic location: 7p14.3.
Variant type: single nucleotide variant.
Coding change: c.1648A>G on transcript NM_198428.3 (MANE Select); coding-DNA position 1648, A replaced by G.
Protein change: p.Ile550Val; replaces isoleucine 550 with valine.
Molecular consequence: missense variant. On other transcripts: non-coding transcript variant (3).
Genome position (GRCh38, 1-based): chr7:33,357,950, A>G. VCF-style: chr7-33357950-A-G. GRCh37 (hg19) VCF-style: chr7-33397562-A-G.
Other names: c.1543A>G, p.Ile515Val (NM_001033604.2); c.1633A>G, p.Ile545Val (NM_001033605.2); c.1648A>G, p.Ile550Val (NM_001348036.1, NM_001348041.4, NM_001348043.3 and 1 more transcripts); c.1282A>G, p.Ile428Val (NM_001348037.3, NM_001348045.3, NM_001348046.3); c.1375A>G, p.Ile459Val (NM_001348038.3); c.1270A>G, p.Ile424Val (NM_001348039.3); c.1528A>G, p.Ile510Val (NM_001348040.3, NM_014451.4); c.1513A>G, p.Ile505Val (NM_001348042.3); and 1 more; short protein forms I550V, I393V, I424V, I428V, I459V, I515V, I545V, I505V.
Identifiers: ClinVar variation 194685 (VCV000194685.26), dbSNP rs150399299, ClinGen allele CA201301.

ClinVar aggregate classification (germline): Benign/Likely benign. Review status: criteria provided, multiple submitters, no conflicts (2 of 4 stars). 10 submissions from 10 submitters: Benign (2); Likely benign (5). 3 of the submissions do not count toward it. Last evaluated 2026-01-25.

Conditions:
BBS9-related disorder. Also called: BBS9-related condition.
Bardet-Biedl syndrome (BBS). Identifiers: Orphanet 110, MedGen C0752166, MONDO:0015229.
Bardet-Biedl syndrome 1 (BBS1). Identifiers: MedGen C2936862, MONDO:0008854, OMIM 209900. Disease mechanism: loss of function.

Allele frequency attached by ClinVar (database versions not stated): gnomAD exomes 0.00018 and 0.00051; ExAC 0.00068; 1000 Genomes Project 30x 0.00094; 1000 Genomes Project 0.00120; ESP Exome Variant Server 0.00177; gnomAD 0.00202 and 0.00219; TOPMed 0.00212.
gnomAD v4.1: 600 of 1,612,642 alleles (0.037%); highest among the groups gnomAD compares: African/African-American, 0.68%; 2 homozygotes.

Submissions (10):

Labcorp Genetics (formerly Invitae), Labcorp
Classification: Likely benign for Bardet-Biedl syndrome. Last evaluated: 2026-01-25. Review status: criteria provided, single submitter. Criteria: Invitae Variant Classification Sherloc (09022015). Collection method: clinical testing. Allele origin: germline.

Blueprint Genetics
Classification: Likely benign. Last evaluated: 2024-11-13. Review status: criteria provided, single submitter. Criteria: ACMG Guidelines, 2015. Collection method: clinical testing. Allele origin: germline.

Genetic Services Laboratory, University of Chicago
Classification: Likely benign. Last evaluated: 2021-03-31. Review status: criteria provided, single submitter. Criteria: ACMG Guidelines, 2015. Collection method: clinical testing. Allele origin: germline. Affected: no.

Center for Pediatric Genomic Medicine, Children's Mercy Hospital and Clinics
Classification: Likely benign. Last evaluated: 2017-05-04. Review status: criteria provided, single submitter. Criteria: ACMG Guidelines, 2015. Collection method: clinical testing. Allele origin: germline.

Genome Diagnostics Laboratory, University Medical Center Utrecht
Classification: Benign for Bardet-Biedl syndrome 1. Last evaluated: 2015-08-18. Review status: criteria provided, single submitter. Criteria: ACGS Guidelines, 2013. Collection method: clinical testing. Allele origin: germline. Affected: yes. Study: VKGL Data-share Consensus.

Eurofins Ntd Llc (ga)
Classification: Benign. Last evaluated: 2015-03-02. Review status: criteria provided, single submitter. Criteria: EGL Classification Definitions 2015. Collection method: clinical testing. Allele origin: germline. Observed: 2 variant alleles, 2 heterozygotes.

Breakthrough Genomics
Classification: Likely benign. Review status: criteria provided, single submitter. Criteria: ACMG Guidelines, 2015. Collection method: not provided. Allele origin: germline. Inheritance: Autosomal recessive inheritance. Affected: yes.

PreventionGenetics, part of Exact Sciences
Classification: Benign for BBS9-related condition. Last evaluated: 2019-09-19. Review status: no assertion criteria provided. Collection method: clinical testing. Allele origin: germline. Not counted in ClinVar's aggregate classification.
Comment: This variant is classified as benign based on ACMG/AMP sequence variant interpretation guidelines (Richards et al. 2015 PMID: 25741868, with internal and published modifications).

Genome Diagnostics Laboratory, Amsterdam University Medical Center
Classification: Likely benign for Bardet-Biedl syndrome 1. Last evaluated: 2017-04-19. Review status: no assertion criteria provided. Criteria: ACGS Guidelines, 2013. Collection method: clinical testing. Allele origin: germline. Affected: yes. Study: VKGL Data-share Consensus. Not counted in ClinVar's aggregate classification.

Clinical Genetics DNA and cytogenetics Diagnostics Lab, Erasmus MC, Erasmus Medical Center
Classification: Likely benign. Review status: no assertion criteria provided. Collection method: clinical testing. Allele origin: germline. Affected: yes. Study: VKGL Data-share Consensus. Not counted in ClinVar's aggregate classification.